The following is an entry in ClinVar:

NM_005475.3(SH2B3):c.1022G>T (p.Gly341Val)

Gene: SH2B3 (SH2B adaptor protein 3; plus strand). Cytogenetic location: 12q24.12.
Variant type: single nucleotide variant.
Coding change: c.1022G>T on transcript NM_005475.3 (MANE Select); coding-DNA position 1022, G replaced by T.
Protein change: p.Gly341Val; replaces glycine 341 with valine.
Molecular consequence: missense variant.
Genome position (GRCh38, 1-based): chr12:111,447,330, G>T. VCF-style: chr12-111447330-G-T. GRCh37 (hg19) VCF-style: chr12-111885134-G-T.
Other names: c.416G>T, p.Gly139Val (NM_001291424.1); short protein forms G341V, G139V.
Identifiers: ClinVar variation 4630760 (VCV004630760.1).

ClinVar aggregate classification (germline): Uncertain significance (1 of 4 stars; one submission).

Conditions:
Inborn genetic diseases. Identifiers: MedGen C0950123, MeSH D030342.

gnomAD v4.1: 1 of 1,613,182 alleles (0.000062%); highest among the groups gnomAD compares: Non-Finnish European, 0.000085%; no homozygotes.

Submission:

Ambry Genetics
Classification: Uncertain significance for Inborn genetic diseases. Last evaluated: 2025-11-22. Review status: criteria provided, single submitter. Criteria: Ambry Variant Classification Scheme 2023. Collection method: clinical testing. Allele origin: germline.
Comment: The p.G341V variant (also known as c.1022G>T) is located in coding exon 5 of the SH2B3 gene. The glycine at codon 341 is replaced by valine, an amino acid with dissimilar properties. This change occurs in the first base pair of coding exon 5. This amino acid position is conserved. In addition, this alteration is predicted to be tolerated by in silico analysis. Based on the available evidence, the clinical significance of this variant remains unclear.